The following is an entry in ClinVar:

NM_001365999.1(SZT2):c.962T>A (p.Phe321Tyr)

Gene: SZT2 (SZT2 subunit of KICSTOR complex; plus strand). Cytogenetic location: 1p34.2.
Variant type: single nucleotide variant.
Coding change: c.962T>A on transcript NM_001365999.1 (MANE Select); coding-DNA position 962, T replaced by A.
Protein change: p.Phe321Tyr; replaces phenylalanine 321 with tyrosine.
Molecular consequence: missense variant.
Genome position (GRCh38, 1-based): chr1:43,419,816, T>A. VCF-style: chr1-43419816-T-A. GRCh37 (hg19) VCF-style: chr1-43885487-T-A.
Other names: c.962T>A, p.Phe321Tyr (NM_015284.4); short protein forms F321Y.
Identifiers: ClinVar variation 664766 (VCV000664766.8), dbSNP rs1570618449, ClinGen allele CA340006004.

ClinVar aggregate classification (germline): Uncertain significance (1 of 4 stars; one submission).

Allele frequency attached by ClinVar (database versions not stated): gnomAD exomes 0.00001.
gnomAD v4.1: 8 of 1,598,454 alleles (0.0005%); highest among the groups gnomAD compares: Non-Finnish European, 0.00059%; no homozygotes.

Submission:

Labcorp Genetics (formerly Invitae), Labcorp
Classification: Uncertain significance. Last evaluated: 2024-06-03. Review status: criteria provided, single submitter. Criteria: Invitae Variant Classification Sherloc (09022015). Collection method: clinical testing. Allele origin: germline.
Comment: This sequence change replaces phenylalanine, which is neutral and non-polar, with tyrosine, which is neutral and polar, at codon 321 of the SZT2 protein (p.Phe321Tyr). This variant is not present in population databases (gnomAD no frequency). This variant has not been reported in the literature in individuals affected with SZT2-related conditions. ClinVar contains an entry for this variant (Variation ID: 664766). Advanced modeling of protein sequence and biophysical properties (such as structural, functional, and spatial information, amino acid conservation, physicochemical variation, residue mobility, and thermodynamic stability) performed at Invitae indicates that this missense variant is not expected to disrupt SZT2 protein function with a negative predictive value of 80%. In summary, the available evidence is currently insufficient to determine the role of this variant in disease. Therefore, it has been classified as a Variant of Uncertain Significance.